The following is an entry in ClinVar:

NM_133510.4(RAD51B):c.89T>G (p.Phe30Cys)

Gene: RAD51B (RAD51 paralog B; plus strand). Cytogenetic location: 14q24.1.
Variant type: single nucleotide variant.
Coding change: c.89T>G on transcript NM_133510.4 (MANE Select); coding-DNA position 89, T replaced by G.
Protein change: p.Phe30Cys; replaces phenylalanine 30 with cysteine.
Molecular consequence: missense variant. On other transcripts: 5 prime UTR variant (2).
Genome position (GRCh38, 1-based): chr14:67,825,468, T>G. VCF-style: chr14-67825468-T-G. GRCh37 (hg19) VCF-style: chr14-68292185-T-G.
Other names: c.89T>G, p.Phe30Cys (NM_001321809.2, NM_001321810.2, NM_001321812.1 and 6 more transcripts); c.-26T>G (NM_001321815.1); c.-367T>G (NM_001321817.2); short protein forms F30C.
Identifiers: ClinVar variation 4862881 (VCV004862881.1).

ClinVar aggregate classification (germline): Uncertain significance (1 of 4 stars; one submission).

Submission:

Ambry Genetics
Classification: Uncertain significance. Last evaluated: 2026-04-11. Review status: criteria provided, single submitter. Criteria: Ambry Variant Classification Scheme 2023. Collection method: clinical testing. Allele origin: germline.
Comment: The p.F30C variant (also known as c.89T>G), located in coding exon 2 of the RAD51B gene, results from a T to G substitution at nucleotide position 89. The phenylalanine at codon 30 is replaced by cysteine, an amino acid with highly dissimilar properties. This amino acid position is conserved. In addition, the in silico prediction for this alteration is inconclusive. Based on the available evidence, the clinical significance of this variant remains unclear.